The following is an entry in ClinVar:

ClinVar aggregate classification (germline): Uncertain significance (1 of 4 stars; one submission).

Allele frequency attached by ClinVar (database versions not stated): gnomAD exomes 0.00001 and 0.00002; gnomAD 0.00002; TOPMed 0.00005.
gnomAD v4.1: 26 of 1,614,038 alleles (0.0016%); highest among the groups gnomAD compares: Admixed American, 0.01%; no homozygotes.

Submission:

Labcorp Genetics (formerly Invitae), Labcorp
Classification: Uncertain significance. Last evaluated: 2024-03-24. Review status: criteria provided, single submitter. Criteria: Invitae Variant Classification Sherloc (09022015). Collection method: clinical testing. Allele origin: germline.
Comment: This sequence change replaces serine, which is neutral and polar, with glycine, which is neutral and non-polar, at codon 91 of the RP1 protein (p.Ser91Gly). This variant is present in population databases (no rsID available, gnomAD 0.009%). This variant has not been reported in the literature in individuals affected with RP1-related conditions. ClinVar contains an entry for this variant (Variation ID: 1396631). Algorithms developed to predict the effect of missense changes on protein structure and function output the following: SIFT: "Not Available"; PolyPhen-2: "Benign"; Align-GVGD: "Not Available". The glycine amino acid residue is found in multiple mammalian species, which suggests that this missense change does not adversely affect protein function. In summary, the available evidence is currently insufficient to determine the role of this variant in disease. Therefore, it has been classified as a Variant of Uncertain Significance.

NM_006269.2(RP1):c.271A>G (p.Ser91Gly)

Gene: RP1 (RP1 axonemal microtubule associated; plus strand). Cytogenetic location: 8q12.1.
Variant type: single nucleotide variant.
Coding change: c.271A>G on transcript NM_006269.2 (MANE Select); coding-DNA position 271, A replaced by G.
Protein change: p.Ser91Gly; replaces serine 91 with glycine.
Molecular consequence: missense variant.
Genome position (GRCh38, 1-based): chr8:54,621,237, A>G. VCF-style: chr8-54621237-A-G. GRCh37 (hg19) VCF-style: chr8-55533797-A-G.
Other names: c.271A>G, p.Ser91Gly (NM_001375654.1); short protein forms S91G.
Identifiers: ClinVar variation 1396631 (VCV001396631.8), dbSNP rs1319416151, ClinGen allele CA370986121.
Genomic context (GRCh38, chr8:54,621,237, plus strand): 5'-TCCAGGAAGGTGCCCCTCCCTTTTGGAGTGAGGAACATCAGCACCCCTCGGGGCAGGCAC[A>G]GCATCACGCGCCTGGAGGAGCTGGAGGACGGCGAGTCCTACCTATGTTCCCACGGCAGGA-3'
Protein context (NP_006260.1, residues 81-101): RNISTPRGRH[Ser91Gly]ITRLEELEDG